The following is an entry in ClinVar:

NM_001365276.2(TNXB):c.8224C>T (p.Leu2742=)

Gene: TNXB (tenascin XB; minus strand). Cytogenetic location: 6p21.33.
Variant type: single nucleotide variant.
Coding change: c.8224C>T on transcript NM_001365276.2 (MANE Select); coding-DNA position 8224, C replaced by T.
Protein change: p.Leu2742=; no amino-acid change (leucine 2742 retained).
Molecular consequence: synonymous variant.
Genome position (GRCh38, 1-based): chr6:32,056,094, G>A on the plus strand (C>T on the coding strand, the complement: TNXB is on the minus strand). VCF-style: chr6-32056094-G-A. GRCh37 (hg19) VCF-style: chr6-32023871-G-A.
Other names: c.8965C>T, p.Leu2989= (NM_001428335.1); c.8224C>T, p.Leu2742= (NM_019105.8).
Identifiers: ClinVar variation 3227335 (VCV003227335.4), dbSNP rs759890355, ClinGen allele CA3733914.

ClinVar aggregate classification (germline): Likely benign. Review status: criteria provided, multiple submitters, no conflicts (2 of 4 stars). 3 submissions from 3 submitters: Likely benign (3). Last evaluated 2026-06-01.

Conditions:
Cardiovascular phenotype. Identifiers: MedGen CN230736.

Allele frequency attached by ClinVar (database versions not stated): ExAC 0.00003; gnomAD 0.00003; gnomAD exomes 0.00004.
gnomAD v4.1: 55 of 1,612,626 alleles (0.0034%); highest among the groups gnomAD compares: Non-Finnish European, 0.0044%; no homozygotes.

Submissions (3):

CeGaT Center for Human Genetics Tuebingen
Classification: Likely benign. Last evaluated: 2026-06-01. Review status: criteria provided, single submitter. Criteria: CeGaT Center For Human Genetics Tuebingen Variant Classification Criteria Version 2. Collection method: clinical testing. Allele origin: germline. Affected: yes. Observed: 1 variant allele.
Comment: TNXB: BP4, BP7

Women's Health and Genetics/Laboratory Corporation of America, LabCorp
Classification: Likely benign. Last evaluated: 2025-03-05. Review status: criteria provided, single submitter. Criteria: LabCorp Variant Classification Summary - May 2015. Collection method: clinical testing. Allele origin: germline.

Ambry Genetics
Classification: Likely benign for Cardiovascular phenotype. Last evaluated: 2023-12-07. Review status: criteria provided, single submitter. Criteria: Ambry Variant Classification Scheme 2023. Collection method: clinical testing. Allele origin: germline.